The following is an entry in ClinVar:

NM_001376.5(DYNC1H1):c.12902+46G>A

Gene: DYNC1H1 (dynein cytoplasmic 1 heavy chain 1; plus strand). Cytogenetic location: 14q32.31.
Variant type: single nucleotide variant.
Coding change: c.12902+46G>A on transcript NM_001376.5 (MANE Select); 46 bases into the intron after coding-DNA position 12902, G replaced by A.
Molecular consequence: intron variant.
Genome position (GRCh38, 1-based): chr14:102,044,537, G>A. VCF-style: chr14-102044537-G-A. GRCh37 (hg19) VCF-style: chr14-102510874-G-A.
Identifiers: ClinVar variation 674056 (VCV000674056.3), dbSNP rs2273440, ClinGen allele CA7354073.

ClinVar aggregate classification (germline): Benign. Review status: criteria provided, multiple submitters, no conflicts (2 of 4 stars). 3 submissions from 3 submitters: Benign (3). Last evaluated 2018-06-18.

Conditions:
Charcot-Marie-Tooth disease. Also called: Charcot-Marie-Tooth Hereditary Neuropathy; Charcot-Marie-Tooth Neuropathy. Identifiers: Orphanet 166, MedGen C0007959, MONDO:0015626.

Allele frequency attached by ClinVar (database versions not stated): gnomAD exomes 0.22718 and 0.25442; ExAC 0.26181; gnomAD 0.34394 and 0.35190; 1000 Genomes Project 0.35164; ESP Exome Variant Server 0.35622; 1000 Genomes Project 30x 0.35837; TOPMed 0.36016.
gnomAD v4.1: 385,823 of 1,613,708 alleles (24%); highest among the groups gnomAD compares: African/African-American, 65%; 53,495 homozygotes.

Submissions (3):

GeneDx
Classification: Benign. Last evaluated: 2018-06-18. Review status: criteria provided, single submitter. Criteria: GeneDx Variant Classification (06012015). Collection method: clinical testing. Allele origin: germline. Affected: yes.
Comment: This variant is considered likely benign or benign based on one or more of the following criteria: it is a conservative change, it occurs at a poorly conserved position in the protein, it is predicted to be benign by multiple in silico algorithms, and/or has population frequency not consistent with disease.

Breakthrough Genomics
Classification: Benign. Review status: criteria provided, single submitter. Criteria: ACMG Guidelines, 2015. Collection method: not provided. Allele origin: germline. Inheritance: Autosomal dominant inheritance. Affected: yes.

Molecular Genetics Laboratory, London Health Sciences Centre
Classification: Benign for Charcot-Marie-Tooth disease. Review status: criteria provided, single submitter. Criteria: ACMG Guidelines, 2015. Collection method: clinical testing. Allele origin: germline. Affected: yes.